The following is an entry in ClinVar:

NM_001267550.2(TTN):c.107960A>G (p.His35987Arg)

Genes: TTN-AS1 (TTN antisense RNA 1; plus strand), TTN (titin; minus strand). Cytogenetic location: 2q31.2.
Variant type: single nucleotide variant.
Coding change: c.107960A>G on transcript NM_001267550.2 (MANE Select); coding-DNA position 107960, A replaced by G.
Protein change: p.His35987Arg; replaces histidine 35987 with arginine.
Molecular consequence: missense variant.
Genome position (GRCh38, 1-based): chr2:178,527,028, T>C on the plus strand (A>G on the coding strand, the complement: TTN is on the minus strand). VCF-style: chr2-178527028-T-C. GRCh37 (hg19) VCF-style: chr2-179391755-T-C.
Other names: c.103037A>G, p.His34346Arg (NM_001256850.1); c.80765A>G, p.His26922Arg (NM_003319.4); c.100256A>G, p.His33419Arg (NM_133378.4); c.81140A>G, p.His27047Arg (NM_133432.3); c.81341A>G, p.His27114Arg (NM_133437.4); short protein forms H27047R, H35987R, H26922R, H27114R, H33419R, H34346R.
Identifiers: ClinVar variation 1938437 (VCV001938437.5), dbSNP rs761091731, ClinGen allele CA1984854.

ClinVar aggregate classification (germline): Uncertain significance (1 of 4 stars; one submission).

Conditions:
Dilated cardiomyopathy 1G (CMD1G). Identifiers: Orphanet 154, MedGen C1858763, MONDO:0011400, OMIM 604145.
Autosomal recessive limb-girdle muscular dystrophy type 2J (LGMDR10). Also called: Limb-girdle muscular dystrophy, type 2J; MUSCULAR DYSTROPHY, LIMB-GIRDLE, AUTOSOMAL RECESSIVE 10. Identifiers: Orphanet 140922, MedGen C1837342, MONDO:0012127, OMIM 608807.

Allele frequency attached by ClinVar (database versions not stated): gnomAD exomes below 0.00001; ExAC 0.00001.
gnomAD v4.1: 2 of 1,613,194 alleles (0.00012%); highest among the groups gnomAD compares: Non-Finnish European, 0.000085%; no homozygotes.

Submission:

Labcorp Genetics (formerly Invitae), Labcorp
Classification: Uncertain significance for Dilated cardiomyopathy 1G; Autosomal recessive limb-girdle muscular dystrophy type 2J. Last evaluated: 2025-03-04. Review status: criteria provided, single submitter. Criteria: Invitae Variant Classification Sherloc (09022015). Collection method: clinical testing. Allele origin: germline.
Comment: This sequence change replaces histidine, which is basic and polar, with arginine, which is basic and polar, at codon 35987 of the TTN protein (p.His35987Arg). This variant is present in population databases (rs761091731, gnomAD 0.0009%). This variant has not been reported in the literature in individuals affected with TTN-related conditions. ClinVar contains an entry for this variant (Variation ID: 1938437). Experimental studies and prediction algorithms are not available or were not evaluated, and the functional significance of this variant is currently unknown. This variant is located in the M band of TTN (PMID: 25589632). Non-truncating variants in this region may be relevant for neuromuscular disorders, but have not been definitively shown to cause cardiomyopathy (PMID: 23975875). In summary, the available evidence is currently insufficient to determine the role of this variant in disease. Therefore, it has been classified as a Variant of Uncertain Significance.

Literature cited by the submitters: PubMed 25589632; PubMed 23975875.